The following is an entry in ClinVar:

ClinVar aggregate classification (germline): Uncertain significance. Review status: criteria provided, multiple submitters, no conflicts (2 of 4 stars). 3 submissions from 3 submitters: Uncertain significance (3). Last evaluated 2025-02-17.

Conditions:
Progressive sclerosing poliodystrophy (MTDPS4A). Also called: Alpers Syndrome; ALPERS PROGRESSIVE INFANTILE POLIODYSTROPHY; NEURONAL DEGENERATION OF CHILDHOOD WITH LIVER DISEASE, PROGRESSIVE; ALPERS DIFFUSE DEGENERATION OF CEREBRAL GRAY MATTER WITH HEPATIC CIRRHOSIS; Alpers-Huttenlocher Syndrome; Mitochondrial DNA depletion syndrome 4A (Alpers type). Identifiers: Orphanet 726, MedGen C0205710, MONDO:0008758, OMIM 203700.

Allele frequency attached by ClinVar (database versions not stated): TOPMed below 0.00001; gnomAD 0.00001.

Submissions (3):

Labcorp Genetics (formerly Invitae), Labcorp
Classification: Uncertain significance for Progressive sclerosing poliodystrophy. Last evaluated: 2025-02-17. Review status: criteria provided, single submitter. Criteria: Invitae Variant Classification Sherloc (09022015). Collection method: clinical testing. Allele origin: germline.
Comment: This sequence change replaces glutamic acid, which is acidic and polar, with aspartic acid, which is acidic and polar, at codon 1002 of the POLG protein (p.Glu1002Asp). This variant is not present in population databases (gnomAD no frequency). This variant has not been reported in the literature in individuals affected with POLG-related conditions. ClinVar contains an entry for this variant (Variation ID: 570708). Invitae Evidence Modeling of protein sequence and biophysical properties (such as structural, functional, and spatial information, amino acid conservation, physicochemical variation, residue mobility, and thermodynamic stability) has been performed for this missense variant. However, the output from this modeling did not meet the statistical confidence thresholds required to predict the impact of this variant on POLG protein function. In summary, the available evidence is currently insufficient to determine the role of this variant in disease. Therefore, it has been classified as a Variant of Uncertain Significance.

CeGaT Center for Human Genetics Tuebingen
Classification: Uncertain significance. Last evaluated: 2024-09-01. Review status: criteria provided, single submitter. Criteria: CeGaT Center For Human Genetics Tuebingen Variant Classification Criteria Version 2. Collection method: clinical testing. Allele origin: germline. Affected: yes. Observed: 1 variant allele.
Comment: POLG: PM2

GeneDx
Classification: Uncertain significance. Last evaluated: 2024-06-04. Review status: criteria provided, single submitter. Criteria: GeneDx Variant Classification Process June 2021. Collection method: clinical testing. Allele origin: germline. Affected: yes.
Comment: In silico analysis indicates that this missense variant does not alter protein structure/function; Has not been previously published as pathogenic or benign to our knowledge

NM_002693.3(POLG):c.3006G>C (p.Glu1002Asp)

Gene: POLG (DNA polymerase gamma, catalytic subunit; minus strand). Cytogenetic location: 15q26.1.
Variant type: single nucleotide variant.
Coding change: c.3006G>C on transcript NM_002693.3 (MANE Select); coding-DNA position 3006, G replaced by C.
Protein change: p.Glu1002Asp; replaces glutamic acid 1002 with aspartic acid.
Molecular consequence: missense variant.
Genome position (GRCh38, 1-based): chr15:89,319,326, C>G on the plus strand (G>C on the coding strand, the complement: POLG is on the minus strand). VCF-style: chr15-89319326-C-G. GRCh37 (hg19) VCF-style: chr15-89862557-C-G.
Other names: c.3006G>C, p.Glu1002Asp (NM_001126131.2); short protein forms E1002D.
Identifiers: ClinVar variation 570708 (VCV000570708.28), dbSNP rs990343459, ClinGen allele CA274542209.